The following is an entry in ClinVar:

NM_021729.6(VPS11):c.9C>T (p.Ala3=)

Genes: VPS11 (VPS11 core subunit of CORVET and HOPS complexes; plus strand), LOC130006886 (ATAC-STARR-seq lymphoblastoid active region 5619; plus strand). Cytogenetic location: 11q23.3.
Variant type: single nucleotide variant.
Coding change: c.9C>T on transcript NM_021729.6 (MANE Select); coding-DNA position 9, C replaced by T.
Protein change: p.Ala3=; no amino-acid change (alanine 3 retained).
Molecular consequence: synonymous variant. On other transcripts: 5 prime UTR variant (1), non-coding transcript variant (8).
Genome position (GRCh38, 1-based): chr11:119,067,832, C>T. VCF-style: chr11-119067832-C-T. GRCh37 (hg19) VCF-style: chr11-118938543-C-T.
Other names: c.-237C>T (NM_001290185.2); c.9C>T, p.Ala3= (NM_001378218.1, NM_001378219.1, NM_001378220.1).
Identifiers: ClinVar variation 2891142 (VCV002891142.7), dbSNP rs913221016, ClinGen allele CA229658249.

ClinVar aggregate classification (germline): Likely benign. Review status: criteria provided, multiple submitters, no conflicts (2 of 4 stars). 2 submissions from 2 submitters: Likely benign (2). Last evaluated 2026-03-01.

Allele frequency attached by ClinVar (database versions not stated): gnomAD exomes 0.00002; TOPMed 0.00003; gnomAD 0.00004.
gnomAD v4.1: 33 of 1,545,556 alleles (0.0021%); highest among the groups gnomAD compares: African/African-American, 0.0014%; no homozygotes.

Submissions (2):

CeGaT Center for Human Genetics Tuebingen
Classification: Likely benign. Last evaluated: 2026-03-01. Review status: criteria provided, single submitter. Criteria: CeGaT Center For Human Genetics Tuebingen Variant Classification Criteria Version 2. Collection method: clinical testing. Allele origin: germline. Affected: yes. Observed: 1 variant allele.
Comment: VPS11: BP4, BP7

Labcorp Genetics (formerly Invitae), Labcorp
Classification: Likely benign. Last evaluated: 2024-01-24. Review status: criteria provided, single submitter. Criteria: Invitae Variant Classification Sherloc (09022015). Collection method: clinical testing. Allele origin: germline.